The following is an entry in ClinVar:

NM_004304.5(ALK):c.4070C>A (p.Pro1357His)

Gene: ALK (ALK receptor tyrosine kinase; minus strand). Cytogenetic location: 2p23.2.
Variant type: single nucleotide variant.
Coding change: c.4070C>A on transcript NM_004304.5 (MANE Select); coding-DNA position 4070, C replaced by A.
Protein change: p.Pro1357His; replaces proline 1357 with histidine.
Molecular consequence: missense variant.
Genome position (GRCh38, 1-based): chr2:29,197,545, G>T on the plus strand (C>A on the coding strand, the complement: ALK is on the minus strand). VCF-style: chr2-29197545-G-T. GRCh37 (hg19) VCF-style: chr2-29420411-G-T.
Other names: c.866C>A, p.Pro289His (NM_001353765.2); c.4070C>A (NM_004304.4); short protein forms P289H, P1357H.
Identifiers: ClinVar variation 2173574 (VCV002173574.5), dbSNP rs1669053572, ClinGen allele CA346465772.
Genomic context (GRCh38, chr2:29,197,545, plus strand): 5'-TTTTTGAAAAGAAAAACTGCTTAGTAACTAGCAGAAGTGTTCCTAAAAGAGTCATACACA[G>T]GCCCAGGGCAGTTCTTGGGTGGGTCCATCCGGCCTCCACTGGTGACAAACTCCAGAACTT-3'
Protein context (NP_004295.2, residues 1347-1367): RMDPPKNCPG[Pro1357His]VYRIMTQCWQ

ClinVar aggregate classification (germline): Uncertain significance. Review status: criteria provided, multiple submitters, no conflicts (2 of 4 stars). 2 submissions from 2 submitters: Uncertain significance (2). Last evaluated 2025-09-17.

Conditions:
Hereditary cancer-predisposing syndrome. Also called: Neoplastic Syndromes, Hereditary; Tumor predisposition; Hereditary Cancer Syndrome; Hereditary neoplastic syndrome. Identifiers: Orphanet 140162, MedGen C0027672, MeSH D009386, MONDO:0015356.
Neuroblastoma, susceptibility to, 3. Also called: ALK-Related Neuroblastic Tumor Susceptibility. Identifiers: Orphanet 635, MedGen C2751681, MONDO:0013083, OMIM 613014.

Submissions (2):

Ambry Genetics
Classification: Uncertain significance for Hereditary cancer-predisposing syndrome. Last evaluated: 2025-09-17. Review status: criteria provided, single submitter. Criteria: Ambry Variant Classification Scheme 2023. Collection method: clinical testing. Allele origin: germline.
Comment: The p.P1357H variant (also known as c.4070C>A), located in coding exon 27 of the ALK gene, results from a C to A substitution at nucleotide position 4070. The proline at codon 1357 is replaced by histidine, an amino acid with similar properties. This amino acid position is conserved. In addition, the in silico prediction for this alteration is inconclusive. Based on the available evidence, the clinical significance of this variant remains unclear.

Labcorp Genetics (formerly Invitae), Labcorp
Classification: Uncertain significance for Neuroblastoma, susceptibility to, 3. Last evaluated: 2024-09-04. Review status: criteria provided, single submitter. Criteria: Invitae Variant Classification Sherloc (09022015). Collection method: clinical testing. Allele origin: germline.
Comment: This sequence change replaces proline, which is neutral and non-polar, with histidine, which is basic and polar, at codon 1357 of the ALK protein (p.Pro1357His). This variant is not present in population databases (gnomAD no frequency). This variant has not been reported in the literature in individuals affected with ALK-related conditions. ClinVar contains an entry for this variant (Variation ID: 2173574). An algorithm developed to predict the effect of missense changes on protein structure and function (PolyPhen-2) suggests that this variant is likely to be disruptive. In summary, the available evidence is currently insufficient to determine the role of this variant in disease. Therefore, it has been classified as a Variant of Uncertain Significance.